The following is an entry in ClinVar:

ClinVar aggregate classification (germline): Uncertain significance (1 of 4 stars; one submission).

Submission:

Labcorp Genetics (formerly Invitae), Labcorp
Classification: Uncertain significance. Last evaluated: 2024-05-14. Review status: criteria provided, single submitter. Criteria: Invitae Variant Classification Sherloc (09022015). Collection method: clinical testing. Allele origin: germline.
Comment: This sequence change replaces aspartic acid, which is acidic and polar, with asparagine, which is neutral and polar, at codon 1084 of the HMCN1 protein (p.Asp1084Asn). This variant is not present in population databases (gnomAD no frequency). This variant has not been reported in the literature in individuals affected with HMCN1-related conditions. An algorithm developed to predict the effect of missense changes on protein structure and function (PolyPhen-2) suggests that this variant is likely to be disruptive. In summary, the available evidence is currently insufficient to determine the role of this variant in disease. Therefore, it has been classified as a Variant of Uncertain Significance.

NM_031935.3(HMCN1):c.3250G>A (p.Asp1084Asn)

Gene: HMCN1 (hemicentin 1; plus strand). Cytogenetic location: 1q31.1.
Variant type: single nucleotide variant.
Coding change: c.3250G>A on transcript NM_031935.3 (MANE Select); coding-DNA position 3250, G replaced by A.
Protein change: p.Asp1084Asn; replaces aspartic acid 1084 with asparagine.
Molecular consequence: missense variant.
Genome position (GRCh38, 1-based): chr1:185,990,316, G>A. VCF-style: chr1-185990316-G-A. GRCh37 (hg19) VCF-style: chr1-185959448-G-A.
Other names: short protein forms D1084N.
Identifiers: ClinVar variation 3653396 (VCV003653396.2).